The following is an entry in ClinVar:

NM_001754.5(RUNX1):c.1183C>T (p.Pro395Ser)

Gene: RUNX1 (RUNX family transcription factor 1; minus strand). Cytogenetic location: 21q22.12.
Variant type: single nucleotide variant.
Coding change: c.1183C>T on transcript NM_001754.5 (MANE Select); coding-DNA position 1183, C replaced by T.
Protein change: p.Pro395Ser; replaces proline 395 with serine.
Molecular consequence: missense variant.
Genome position (GRCh38, 1-based): chr21:34,792,395, G>A on the plus strand (C>T on the coding strand, the complement: RUNX1 is on the minus strand). VCF-style: chr21-34792395-G-A. GRCh37 (hg19) VCF-style: chr21-36164692-G-A.
Other names: NM_001754.5(RUNX1):c.1183C>T; p.Pro395Ser; c.1102C>T, p.Pro368Ser (NM_001001890.3); short protein forms P368S, P395S.
Identifiers: ClinVar variation 2995353 (VCV002995353.5), dbSNP rs765629212, ClinGen allele CA410147839.
Genomic context (GRCh38, chr21:34,792,395, plus strand): 5'-GGTAGGAGCCGGCCGAGGCGCCGTAGTACAGGTGGTAGGAGGGCGAGCTGGCTTGGAACG[G>A]GCCTCCCTGCGCTTGCGACGAGCCGGGGTAGGGCGGCGGCAGGTAGGTGTGGTAGCGCGT-3'
Protein context (NP_001745.2, residues 385-405): YPGSSQAQGG[Pro395Ser]FQASSPSYHL

ClinVar aggregate classification (germline): Uncertain significance. Review status: reviewed by expert panel (3 of 4 stars). 3 submissions from 3 submitters: Uncertain significance (1). 2 of the submissions do not count toward it. Last evaluated 2024-09-30.

Conditions:
Hereditary thrombocytopenia and hematologic cancer predisposition syndrome. Identifiers: Orphanet 71290, MedGen CN281654, MONDO:0011071.
Inborn genetic diseases. Identifiers: MedGen C0950123, MeSH D030342.
Hereditary thrombocytopenia and hematological cancer predisposition syndrome associated with RUNX1. Also called: Familial Platelet Disorder with Propensity to Acute Myelogenous Leukemia; Familial thrombocytopenia with propensity to acute myelogenous leukemia; PLATELET DISORDER, ASPIRIN-LIKE; RUNX1 Familial Platelet Disorder with Associated Myeloid Malignancies. Identifiers: Orphanet 71290, MedGen C1832388, MeSH C563324, MONDO:0100083, OMIM 601399.

Submissions (3):

ClinGen Myeloid Malignancy Variant Curation Expert Panel
Classification: Uncertain significance for Hereditary thrombocytopenia and hematologic cancer predisposition syndrome. Last evaluated: 2024-09-30. Review status: reviewed by expert panel. Criteria: ClinGen MyeloMalig ACMG Specifications v2. Collection method: curation. Allele origin: germline. Inheritance: Autosomal dominant inheritance.
Comment: NM_001754.5(RUNX1):c.1183C>T (p.Pro395Ser) is a missense variant which has a REVEL score < 0.50 (0.16), and a SpliceAI score ≤ 0.20 (0.0) (BP4). This variant is completely absent from all population databases with at least 20x coverage for RUNX1 (PM2_Supporting). In summary, the clinical significance of this variant is uncertain. ACMG/AMP criteria applied, as specified by the Myeloid Malignancy Variant Curation Expert Panel for RUNX1: BP4, PM2_supporting.

Ambry Genetics
Classification: Uncertain significance for Inborn genetic diseases. Last evaluated: 2026-03-15. Review status: criteria provided, single submitter. Criteria: Ambry Variant Classification Scheme 2023. Collection method: clinical testing. Allele origin: germline. Not counted in ClinVar's aggregate classification.
Comment: The p.P395S variant (also known as c.1183C>T), located in coding exon 8 of the RUNX1 gene, results from a C to T substitution at nucleotide position 1183. The proline at codon 395 is replaced by serine, an amino acid with similar properties. This amino acid position is conserved. In addition, this alteration is predicted to be tolerated by in silico analysis. Based on the available evidence, the clinical significance of this variant remains unclear.

Labcorp Genetics (formerly Invitae), Labcorp
Classification: Uncertain significance for Hereditary thrombocytopenia and hematological cancer predisposition syndrome associated with RUNX1. Last evaluated: 2023-01-31. Review status: criteria provided, single submitter. Criteria: Invitae Variant Classification Sherloc (09022015). Collection method: clinical testing. Allele origin: germline. Not counted in ClinVar's aggregate classification.
Comment: This sequence change replaces proline, which is neutral and non-polar, with serine, which is neutral and polar, at codon 395 of the RUNX1 protein (p.Pro395Ser). This variant is not present in population databases (gnomAD no frequency). This variant has not been reported in the literature in individuals affected with RUNX1-related conditions. Advanced modeling of protein sequence and biophysical properties (such as structural, functional, and spatial information, amino acid conservation, physicochemical variation, residue mobility, and thermodynamic stability) performed at Invitae indicates that this missense variant is not expected to disrupt RUNX1 protein function. In summary, the available evidence is currently insufficient to determine the role of this variant in disease. Therefore, it has been classified as a Variant of Uncertain Significance.